The following is an entry in ClinVar:

ClinVar aggregate classification (germline): Conflicting classifications of pathogenicity. Review status: criteria provided, conflicting classifications (1 of 4 stars). 3 submissions from 3 submitters: Uncertain significance (2); Likely benign (1). Last evaluated 2025-09-17.

Conditions:
Retinal dystrophy. Also called: Inherited retinal dystrophy. Identifiers: Orphanet 71862, MedGen C0854723, MeSH D058499, MONDO:0019118, HP:0000556.

Allele frequency attached by ClinVar (database versions not stated): gnomAD exomes 0.00001 and 0.00002; TOPMed 0.00002.

Submissions (3):

Labcorp Genetics (formerly Invitae), Labcorp
Classification: Uncertain significance. Last evaluated: 2025-09-17. Review status: criteria provided, single submitter. Criteria: Invitae Variant Classification Sherloc (09022015). Collection method: clinical testing. Allele origin: germline.
Comment: This sequence change affects codon 483 of the IMPDH1 mRNA. It is a 'silent' change, meaning that it does not change the encoded amino acid sequence of the IMPDH1 protein. This variant is present in population databases (no rsID available, gnomAD 0.009%). This variant has not been reported in the literature in individuals affected with IMPDH1-related conditions. ClinVar contains an entry for this variant (Variation ID: 1021754). Algorithms developed to predict the effect of sequence changes on RNA splicing suggest that this variant may create or strengthen a splice site. In summary, the available evidence is currently insufficient to determine the role of this variant in disease. Therefore, it has been classified as a Variant of Uncertain Significance.

Dept Of Ophthalmology, Nagoya University
Classification: Uncertain significance for Retinal dystrophy. Last evaluated: 2023-10-01. Review status: criteria provided, single submitter. Criteria: Submitter's publication. Collection method: research. Allele origin: germline. Affected: yes.

Blueprint Genetics
Classification: Likely benign. Last evaluated: 2021-06-25. Review status: criteria provided, single submitter. Criteria: ACMG Guidelines, 2015. Collection method: clinical testing. Allele origin: germline.

NM_000883.4(IMPDH1):c.1449C>T (p.Gly483=)

Gene: IMPDH1 (inosine monophosphate dehydrogenase 1; minus strand). Cytogenetic location: 7q32.1.
Variant type: single nucleotide variant.
Coding change: c.1449C>T on transcript NM_000883.4 (MANE Select); coding-DNA position 1449, C replaced by T.
Protein change: p.Gly483=; no amino-acid change (glycine 483 retained).
Molecular consequence: synonymous variant.
Genome position (GRCh38, 1-based): chr7:128,394,990, G>A on the plus strand (C>T on the coding strand, the complement: IMPDH1 is on the minus strand). VCF-style: chr7-128394990-G-A. GRCh37 (hg19) VCF-style: chr7-128035044-G-A.
Other names: c.1419C>T, p.Gly473= (NM_001102605.2); c.1194C>T, p.Gly398= (NM_001142573.2); c.1179C>T, p.Gly393= (NM_001142574.2); c.1119C>T, p.Gly373= (NM_001142575.2); c.1350C>T, p.Gly450= (NM_001142576.2); c.1242C>T, p.Gly414= (NM_001304521.2); c.1341C>T, p.Gly447= (NM_183243.3).
Identifiers: ClinVar variation 1021754 (VCV001021754.8), dbSNP rs987570514, ClinGen allele CA166122247.